The following is an entry in ClinVar:

NM_004168.4(SDHA):c.1885T>C (p.Tyr629His)

Gene: SDHA (succinate dehydrogenase complex flavoprotein subunit A; plus strand). Cytogenetic location: 5p15.33.
Variant type: single nucleotide variant.
Coding change: c.1885T>C on transcript NM_004168.4 (MANE Select); coding-DNA position 1885, T replaced by C.
Protein change: p.Tyr629His; replaces tyrosine 629 with histidine.
Molecular consequence: missense variant.
Genome position (GRCh38, 1-based): chr5:254,483, T>C. VCF-style: chr5-254483-T-C. GRCh37 (hg19) VCF-style: chr5-254598-T-C.
Other names: c.1741T>C, p.Tyr581His (NM_001294332.2); c.1642T>C, p.Tyr548His (NM_001330758.2); short protein forms Y548H, Y629H, Y581H.
Identifiers: ClinVar variation 2567089 (VCV002567089.2), dbSNP rs1579445293, ClinGen allele CA359002153.

ClinVar aggregate classification (germline): Uncertain significance (1 of 4 stars; one submission).

Conditions:
Hereditary cancer-predisposing syndrome. Also called: Hereditary neoplastic syndrome; Hereditary Cancer Syndrome; Neoplastic Syndromes, Hereditary; Tumor predisposition. Identifiers: Orphanet 140162, MedGen C0027672, MeSH D009386, MONDO:0015356.

Submission:

Ambry Genetics
Classification: Uncertain significance for Hereditary cancer-predisposing syndrome. Last evaluated: 2023-03-30. Review status: criteria provided, single submitter. Criteria: Ambry Variant Classification Scheme 2023. Collection method: clinical testing. Allele origin: germline.
Comment: The p.Y629H variant (also known as c.1885T>C), located in coding exon 14 of the SDHA gene, results from a T to C substitution at nucleotide position 1885. The tyrosine at codon 629 is replaced by histidine, an amino acid with similar properties. This amino acid position is conserved. In addition, the in silico prediction for this alteration is inconclusive. Since supporting evidence is limited at this time, the clinical significance of this alteration remains unclear.